The following is an entry in ClinVar:

NM_000135.4(FANCA):c.4167+5G>A

Genes: ZNF276 (zinc finger protein 276; plus strand), FANCA (FA complementation group A; minus strand). Cytogenetic location: 16q24.3.
Variant type: single nucleotide variant.
Coding change: c.4167+5G>A on transcript NM_000135.4 (MANE Select); 5 bases into the intron after coding-DNA position 4167, G replaced by A.
Molecular consequence: intron variant. On other transcripts: 3 prime UTR variant (2), non-coding transcript variant (4), splice donor variant (1).
Genome position (GRCh38, 1-based): chr16:89,739,128, C>T on the plus strand (G>A on the coding strand, the complement: FANCA is on the minus strand). VCF-style: chr16-89739128-C-T. GRCh37 (hg19) VCF-style: chr16-89805536-C-T.
Other names: c.*882C>T (NM_001113525.2, NM_152287.4); c.4171+1G>A (NM_001286167.3).
Identifiers: ClinVar variation 2584798 (VCV002584798.2), dbSNP rs2544078515, ClinGen allele CA397484238.

ClinVar aggregate classification (germline): Uncertain significance. Review status: criteria provided, multiple submitters, no conflicts (2 of 4 stars). 2 submissions from 2 submitters: Uncertain significance (2). Last evaluated 2025-08-20.

Conditions:
Fanconi anemia (FA). Also called: Fanconi's anemia. Identifiers: Orphanet 84, MedGen C0015625, MeSH D005199, MONDO:0019391.
Fanconi anemia complementation group A (FANCA). Also called: FANCA-Related Fanconi Anemia; Fanconi anemia, group A. Identifiers: Orphanet 84, MedGen C3469521, MONDO:0009215, OMIM 227650.

Submissions (2):

Labcorp Genetics (formerly Invitae), Labcorp
Classification: Uncertain significance for Fanconi anemia. Last evaluated: 2025-08-20. Review status: criteria provided, single submitter. Criteria: Invitae Variant Classification Sherloc (09022015). Collection method: clinical testing. Allele origin: germline.
Comment: This sequence change falls in intron 41 of the FANCA gene. It does not directly change the encoded amino acid sequence of the FANCA protein. It affects a nucleotide within the consensus splice site. This variant is not present in population databases (gnomAD no frequency). This variant has not been reported in the literature in individuals affected with FANCA-related conditions. ClinVar contains an entry for this variant (Variation ID: 2584798). Variants that disrupt the consensus splice site are a relatively common cause of aberrant splicing (PMID: 17576681, 9536098). Algorithms developed to predict the effect of sequence changes on RNA splicing suggest that this variant may disrupt the consensus splice site. In summary, the available evidence is currently insufficient to determine the role of this variant in disease. Therefore, it has been classified as a Variant of Uncertain Significance.

Neuberg Centre For Genomic Medicine, NCGM
Classification: Uncertain significance for Fanconi anemia complementation group A. Review status: criteria provided, single submitter. Criteria: ACMG Guidelines, 2015. Collection method: clinical testing. Allele origin: germline. Inheritance: Autosomal recessive inheritance. Affected: yes.
Comment: The splice site c.4171+1G>A variant has not been reported previously as a pathogenic variant nor as a benign variant, to our knowledge. The variant is novel (not in any individuals) in gnomAD Exomes and 1000 Genomes. The nucleotide change in FANCA is predicted as conserved by GERP++ and PhyloP across 100 vertebrates. For these reasons, this variant has been classified as Variant of Uncertain Significance (VUS).

Literature cited by the submitters: PubMed 17576681 (cited by Labcorp Genetics (formerly Invitae), Labcorp); PubMed 9536098 (cited by Labcorp Genetics (formerly Invitae), Labcorp).